The following is an entry in ClinVar:

NM_014208.3(DSPP):c.3546T>C (p.Asp1182=)

Genes: DMP1-AS1 (DMP1 and DSPP antisense RNA 1; minus strand), DSPP (dentin sialophosphoprotein; plus strand). Cytogenetic location: 4q22.1.
Variant type: single nucleotide variant.
Coding change: c.3546T>C on transcript NM_014208.3 (MANE Select); coding-DNA position 3546, T replaced by C.
Protein change: p.Asp1182=; no amino-acid change (aspartic acid 1182 retained).
Molecular consequence: synonymous variant.
Genome position (GRCh38, 1-based): chr4:87,616,208, T>C. VCF-style: chr4-87616208-T-C. GRCh37 (hg19) VCF-style: chr4-88537360-T-C.
Identifiers: ClinVar variation 2654925 (VCV002654925.24), dbSNP rs368803249, ClinGen allele CA3001778.

ClinVar aggregate classification (germline): Benign (1 of 4 stars; one submission).

Allele frequency attached by ClinVar (database versions not stated): ESP Exome Variant Server 0.00066; 1000 Genomes Project 30x 0.00344; 1000 Genomes Project 0.00479.

Submission:

CeGaT Center for Human Genetics Tuebingen
Classification: Benign. Last evaluated: 2023-07-01. Review status: criteria provided, single submitter. Criteria: CeGaT Center For Human Genetics Tuebingen Variant Classification Criteria Version 2. Collection method: clinical testing. Allele origin: germline. Affected: yes. Observed: 1 variant allele.
Comment: DSPP: BP4, BP7, BS1, BS2